The following is an entry in ClinVar:

NM_198529.4(EFCAB5):c.1594C>A (p.Pro532Thr)

Gene: EFCAB5 (EF-hand calcium binding domain 5; plus strand). Cytogenetic location: 17q11.2.
Variant type: single nucleotide variant.
Coding change: c.1594C>A on transcript NM_198529.4 (MANE Select); coding-DNA position 1594, C replaced by A.
Protein change: p.Pro532Thr; replaces proline 532 with threonine.
Molecular consequence: missense variant. On other transcripts: non-coding transcript variant (1).
Genome position (GRCh38, 1-based): chr17:30,053,548, C>A. VCF-style: chr17-30053548-C-A. GRCh37 (hg19) VCF-style: chr17-28380566-C-A.
Other names: c.1426C>A, p.Pro476Thr (NM_001145053.2); short protein forms P476T, P532T.
Identifiers: ClinVar variation 3049655 (VCV003049655.2), dbSNP rs147501825, ClinGen allele CA8478823.
Genomic context (GRCh38, chr17:30,053,548, plus strand): 5'-GTAACTGCAGAACAAGGACCACAAAGAATTTCAATTGAAGAACAACAACAAGGCAAAAAG[C>A]CAACTGCAGAGCAAGAACTGTACATAGAATCAGTAATAGAACCAGGAACACACACAGAGT-3'
Protein context (NP_940931.3, residues 522-542): SIEEQQQGKK[Pro532Thr]TAEQELYIES

ClinVar aggregate classification (germline): Likely benign (0 of 4 stars; one submission).

Conditions:
EFCAB5-related disorder. Also called: EFCAB5-related condition.

Allele frequency attached by ClinVar (database versions not stated): gnomAD exomes 0.00034; ExAC 0.00100; ESP Exome Variant Server 0.00375; gnomAD 0.00375; TOPMed 0.00410; 1000 Genomes Project 0.00419; 1000 Genomes Project 30x 0.00515.
gnomAD v4.1: 1,084 of 1,613,696 alleles (0.067%); highest among the groups gnomAD compares: African/African-American, 1.2%; 7 homozygotes.

Submission:

PreventionGenetics, part of Exact Sciences
Classification: Likely benign for EFCAB5-related condition. Last evaluated: 2021-09-17. Review status: no assertion criteria provided. Collection method: clinical testing. Allele origin: germline.
Comment: This variant is classified as likely benign based on ACMG/AMP sequence variant interpretation guidelines (Richards et al. 2015 PMID: 25741868, with internal and published modifications).